The following is an entry in ClinVar:

ClinVar aggregate classification (germline): Likely benign (1 of 4 stars; one submission).

Submission:

CeGaT Center for Human Genetics Tuebingen
Classification: Likely benign. Last evaluated: 2025-11-01. Review status: criteria provided, single submitter. Criteria: CeGaT Center For Human Genetics Tuebingen Variant Classification Criteria Version 2. Collection method: clinical testing. Allele origin: germline. Affected: yes. Observed: 1 variant allele.
Comment: MUC12: BP4, BP7

NM_001164462.2(MUC12):c.13248G>A (p.Pro4416=)

Gene: MUC12 (mucin 12, cell surface associated; plus strand). Cytogenetic location: 7q22.1.
Variant type: single nucleotide variant.
Coding change: c.13248G>A on transcript NM_001164462.2 (MANE Select); coding-DNA position 13248, G replaced by A.
Protein change: p.Pro4416=; no amino-acid change (proline 4416 retained).
Molecular consequence: synonymous variant.
Genome position (GRCh38, 1-based): chr7:101,003,811, G>A. VCF-style: chr7-101003811-G-A. GRCh37 (hg19) VCF-style: chr7-100647092-G-A.
Identifiers: ClinVar variation 4533498 (VCV004533498.6).
Genomic context (GRCh38, chr7:101,003,811, plus strand): 5'-GCCTGCCCGCTCCACAACCTCAGGCCTCGTTGAAGAATCTACGACCTACCACAGCAGCCC[G>A]GGCTCAACTCAAACAATGCACTTCCCTGAAAGCAACACAACTTCAGGCCGTGGTGAAGAA-3'
Protein context (NP_001157934.1, residues 4406-4426): VEESTTYHSS[Pro4416=]GSTQTMHFPE